The following is an entry in ClinVar:

ClinVar aggregate classification (germline): Uncertain significance (0 of 4 stars; one submission).

Conditions:
IGF2-related disorder. Also called: IGF2-related condition.

gnomAD v4.1: 6 of 1,613,510 alleles (0.00037%); highest among the groups gnomAD compares: Non-Finnish European, 0.00042%; no homozygotes.

Submission:

PreventionGenetics, part of Exact Sciences
Classification: Uncertain significance for IGF2-related condition. Last evaluated: 2023-12-07. Review status: no assertion criteria provided. Collection method: clinical testing. Allele origin: germline.
Comment: The IGF2 c.14T>A variant is predicted to result in the amino acid substitution p.Met5Lys. To our knowledge, this variant has not been reported in the literature or in a large population database, indicating this variant is rare. At this time, the clinical significance of this variant is uncertain due to the absence of conclusive functional and genetic evidence.

NM_000612.6(IGF2):c.14T>A (p.Met5Lys)

Genes: IGF2 (insulin like growth factor 2; minus strand), INS-IGF2 (INS-IGF2 readthrough; minus strand). Cytogenetic location: 11p15.5.
Variant type: single nucleotide variant.
Coding change: c.14T>A on transcript NM_000612.6 (MANE Select); coding-DNA position 14, T replaced by A.
Protein change: p.Met5Lys; replaces methionine 5 with lysine.
Molecular consequence: missense variant. On other transcripts: non-coding transcript variant (1).
Genome position (GRCh38, 1-based): chr11:2,135,510, A>T on the plus strand (T>A on the coding strand, the complement: IGF2 is on the minus strand). VCF-style: chr11-2135510-A-T. GRCh37 (hg19) VCF-style: chr11-2156740-A-T.
Other names: c.14T>A, p.Met5Lys (NM_001007139.6, NM_001291861.3, NM_001291862.3); c.182T>A, p.Met61Lys (NM_001127598.3); short protein forms M5K, M61K.
Identifiers: ClinVar variation 3037991 (VCV003037991.2), dbSNP rs757907236, ClinGen allele CA379114081.